The following is an entry in ClinVar:

NM_000719.7(CACNA1C):c.-360G>A

Gene: CACNA1C (calcium voltage-gated channel subunit alpha1 C; plus strand). Cytogenetic location: 12p13.33.
Variant type: single nucleotide variant.
Coding change: c.-360G>A on transcript NM_000719.7 (MANE Select); 360 bases upstream of the start codon, G replaced by A.
Molecular consequence: 5 prime UTR variant.
Genome position (GRCh38, 1-based): chr12:2,053,203, G>A. VCF-style: chr12-2053203-G-A. GRCh37 (hg19) VCF-style: chr12-2162369-G-A.
Other names: c.-360G>A (NM_001129827.2, NM_001129830.3, NM_001129840.2 and 1 more transcripts).
Identifiers: ClinVar variation 683258 (VCV000683258.3), dbSNP rs11062091, ClinGen allele CA13610995.

ClinVar aggregate classification (germline): Benign. Review status: criteria provided, multiple submitters, no conflicts (2 of 4 stars). 3 submissions from 3 submitters: Benign (3). Last evaluated 2018-06-19.

Allele frequency attached by ClinVar (database versions not stated): 1000 Genomes Project 0.14816; TOPMed 0.16545; gnomAD exomes 0.17192; gnomAD 0.17877.
gnomAD v4.1: 172,095 of 1,000,742 alleles (17%); highest among the groups gnomAD compares: African/African-American, 19%; 14,884 homozygotes.

Submissions (3):

GeneDx
Classification: Benign. Last evaluated: 2018-06-19. Review status: criteria provided, single submitter. Criteria: GeneDx Variant Classification (06012015). Collection method: clinical testing. Allele origin: germline. Affected: yes.
Comment: This variant is considered likely benign or benign based on one or more of the following criteria: it is a conservative change, it occurs at a poorly conserved position in the protein, it is predicted to be benign by multiple in silico algorithms, and/or has population frequency not consistent with disease.

Blueprint Genetics
Classification: Benign. Last evaluated: 2018-06-13. Review status: criteria provided, single submitter. Criteria: ACMG Guidelines, 2015. Collection method: clinical testing. Allele origin: germline.

Breakthrough Genomics
Classification: Benign. Review status: criteria provided, single submitter. Criteria: ACMG Guidelines, 2015. Collection method: not provided. Allele origin: germline. Inheritance: Autosomal dominant inheritance. Affected: yes.